The following is an entry in ClinVar:

ClinVar aggregate classification (germline): Conflicting classifications of pathogenicity. Review status: criteria provided, conflicting classifications (1 of 4 stars). 5 submissions from 5 submitters: Uncertain significance (3); Benign (1). 1 of the submissions does not count toward it. Last evaluated 2025-12-11.

Conditions:
Congenital contractural arachnodactyly (CCA). Also called: Beals-Hecht syndrome; BEALS SYNDROME; Arthrogryposis, distal, type 9. Identifiers: Orphanet 115, MedGen C0220668, MONDO:0007363, OMIM 121050.
Familial thoracic aortic aneurysm and aortic dissection (TAAD). Also called: Thoracic aortic aneurysms and dissections. Identifiers: Orphanet 91387, MedGen C4707243, MONDO:0019625.
FBN2-related disorder. Also called: FBN2-related condition.

Allele frequency attached by ClinVar (database versions not stated): gnomAD 0.00001 and 0.00002; gnomAD exomes 0.00002 and 0.00003; ExAC 0.00003; TOPMed 0.00004.
gnomAD v4.1: 16 of 1,613,940 alleles (0.00099%); highest among the groups gnomAD compares: Admixed American, 0.022%; no homozygotes.

Submissions (5):

Ambry Genetics
Classification: Uncertain significance for Familial thoracic aortic aneurysm and aortic dissection. Last evaluated: 2025-12-11. Review status: criteria provided, single submitter. Criteria: Ambry Variant Classification Scheme 2023. Collection method: clinical testing. Allele origin: germline.
Comment: The p.N2662S variant (also known as c.7985A>G), located in coding exon 63 of the FBN2 gene, results from an A to G substitution at nucleotide position 7985. The asparagine at codon 2662 is replaced by serine, an amino acid with highly similar properties. This amino acid position is conserved. In addition, this alteration is predicted to be tolerated by in silico analysis. Based on the available evidence, the clinical significance of this variant remains unclear.

Labcorp Genetics (formerly Invitae), Labcorp
Classification: Benign for Congenital contractural arachnodactyly. Last evaluated: 2025-11-11. Review status: criteria provided, single submitter. Criteria: Invitae Variant Classification Sherloc (09022015). Collection method: clinical testing. Allele origin: germline.

Revvity Omics, Revvity
Classification: Uncertain significance. Last evaluated: 2021-08-30. Review status: criteria provided, single submitter. Criteria: ACMG Guidelines, 2015. Collection method: clinical testing. Allele origin: germline.

Victorian Clinical Genetics Services, Murdoch Childrens Research Institute
Classification: Uncertain significance for Congenital contractural arachnodactyly. Last evaluated: 2020-10-19. Review status: criteria provided, single submitter. Criteria: ACMG Guidelines, 2015. Collection method: clinical testing. Allele origin: germline. Inheritance: Autosomal dominant inheritance.
Comment: Based on the classification scheme VCGS_Germline_v1.3.4, this variant is classified as VUS – 3C. Following criteria are met: 0102 - Loss of function is a mechanism of disease in this gene and is associated with congenital contractural arachnodactyly (MIM#121050). (I) 0107 - This gene is associated with autosomal dominant disease. (I) 0200 - Variant is predicted to result in a missense amino acid change from asparagine to serine. (I) 0251 - This variant is heterozygous. (I) 0302 - Variant is present in gnomAD (v2) <0.001 for a dominant condition (7 heterozygotes, 0 homozygotes). (SP) 0504 - Same amino acid change has been observed in placental mammals. (SB) 0600 - Variant is located in the annotated calcium binding EGF-like 46 domain (PDB). (I) 0705 - No comparable missense variants have previous evidence for pathogenicity. (I) 0807 - This variant has no previous evidence of pathogenicity. (I) 0905 - No published segregation evidence has been identified for this variant. (I) 1007 - No published functional evidence has been identified for this variant. (I) 1208 - Inheritance information for this variant is not currently available in this individual. (I) Legend: (SP) - Supporting pathogenic, (I) - Information, (SB) - Supporting benign

PreventionGenetics, part of Exact Sciences
Classification: Uncertain significance for FBN2-related condition. Last evaluated: 2023-10-20. Review status: no assertion criteria provided. Collection method: clinical testing. Allele origin: germline. Not counted in ClinVar's aggregate classification.
Comment: The FBN2 c.7985A>G variant is predicted to result in the amino acid substitution p.Asn2662Ser. To our knowledge, this variant has not been reported in the literature. This variant is reported in 0.017% of alleles in individuals of Latino descent in gnomAD. At this time, the clinical significance of this variant is uncertain due to the absence of conclusive functional and genetic evidence.

NM_001999.4(FBN2):c.7985A>G (p.Asn2662Ser)

Gene: FBN2 (fibrillin 2; minus strand). Cytogenetic location: 5q23.3.
Variant type: single nucleotide variant.
Coding change: c.7985A>G on transcript NM_001999.4 (MANE Select); coding-DNA position 7985, A replaced by G.
Protein change: p.Asn2662Ser; replaces asparagine 2662 with serine.
Molecular consequence: missense variant.
Genome position (GRCh38, 1-based): chr5:128,263,632, T>C on the plus strand (A>G on the coding strand, the complement: FBN2 is on the minus strand). VCF-style: chr5-128263632-T-C. GRCh37 (hg19) VCF-style: chr5-127599324-T-C.
Other names: short protein forms N2662S.
Identifiers: ClinVar variation 1515865 (VCV001515865.14), dbSNP rs765867245, ClinGen allele CA3393957.
Genomic context (GRCh38, chr5:128,263,632, plus strand): 5'-GAGGGGCAGGCGCACTTGTAACTCCCCAGGGTGTTGTAGCAGGAAGCAGAGCCACAGGCA[T>C]TGGGATTGGAGCATTCATTCTCATCTAGTGAAACGAAGAAAGAAACTCTTACACGGGGAA-3'
Protein context (NP_001990.2, residues 2652-2672): CVDENECSNP[Asn2662Ser]ACGSASCYNT